The following is an entry in ClinVar:

ClinVar aggregate classification (germline): Likely benign. Review status: criteria provided, single submitter (1 of 4 stars). 2 submissions from 2 submitters: Likely benign (1). 1 of the submissions does not count toward it. Last evaluated 2024-06-23.

Conditions:
TMC8-related disorder. Also called: TMC8-related condition.
Epidermodysplasia verruciformis. Identifiers: Orphanet 302, MedGen C0014522, MONDO:0009176.

Allele frequency attached by ClinVar (database versions not stated): TOPMed 0.00003.
gnomAD v4.1: 16 of 1,613,326 alleles (0.00099%); highest among the groups gnomAD compares: African/African-American, 0.008%; no homozygotes.

Submissions (2):

Labcorp Genetics (formerly Invitae), Labcorp
Classification: Likely benign for Epidermodysplasia verruciformis. Last evaluated: 2024-06-23. Review status: criteria provided, single submitter. Criteria: Invitae Variant Classification Sherloc (09022015). Collection method: clinical testing. Allele origin: germline.

PreventionGenetics, part of Exact Sciences
Classification: Likely benign for TMC8-related condition. Last evaluated: 2019-04-18. Review status: no assertion criteria provided. Collection method: clinical testing. Allele origin: germline. Not counted in ClinVar's aggregate classification.
Comment: This variant is classified as likely benign based on ACMG/AMP sequence variant interpretation guidelines (Richards et al. 2015 PMID: 25741868, with internal and published modifications).

NM_152468.5(TMC8):c.627G>A (p.Pro209=)

Gene: TMC8 (transmembrane channel like 8; plus strand). Cytogenetic location: 17q25.3.
Variant type: single nucleotide variant.
Coding change: c.627G>A on transcript NM_152468.5 (MANE Select); coding-DNA position 627, G replaced by A.
Protein change: p.Pro209=; no amino-acid change (proline 209 retained).
Molecular consequence: synonymous variant.
Genome position (GRCh38, 1-based): chr17:78,133,501, G>A. VCF-style: chr17-78133501-G-A. GRCh37 (hg19) VCF-style: chr17-76129582-G-A.
Identifiers: ClinVar variation 792979 (VCV000792979.11), dbSNP rs753745214, ClinGen allele CA8796542.